The following is an entry in ClinVar:

NM_001377.3(DYNC2H1):c.3097-4A>G

Gene: DYNC2H1 (dynein cytoplasmic 2 heavy chain 1; plus strand). Cytogenetic location: 11q22.3.
Variant type: single nucleotide variant.
Coding change: c.3097-4A>G on transcript NM_001377.3 (MANE Select); 4 bases into the intron before coding-DNA position 3097, A replaced by G.
Molecular consequence: intron variant.
Genome position (GRCh38, 1-based): chr11:103,153,299, A>G. VCF-style: chr11-103153299-A-G. GRCh37 (hg19) VCF-style: chr11-103024028-A-G.
Other names: p.?; c.3097-4A>G (NM_001080463.2).
Identifiers: ClinVar variation 195661 (VCV000195661.43), dbSNP rs368802969, ClinGen allele CA201879.

ClinVar aggregate classification (germline): Benign/Likely benign. Review status: criteria provided, multiple submitters, no conflicts (2 of 4 stars). 11 submissions from 11 submitters: Benign (6); Likely benign (3). 2 of the submissions do not count toward it. Last evaluated 2026-02-04.

Conditions:
Jeune thoracic dystrophy. Also called: Jeune syndrome; Infantile thoracic dystrophy; Thoracic pelvic phalangeal dystrophy; Jeune's syndrome; Chondroectodermal dysplasia-like syndrome; Short-rib thoracic dysplasia. Identifiers: Orphanet 474, MedGen C0265275, MONDO:0018770.
Asphyxiating thoracic dystrophy 3. Also called: SHORT-RIB THORACIC DYSPLASIA 3 WITH OR WITHOUT POLYDACTYLY; POLYDACTYLY WITH NEONATAL CHONDRODYSTROPHY, TYPE I; SHORT-RIB THORACIC DYSPLASIA 3/6 WITH POLYDACTYLY, DIGENIC; Short rib polydactyly syndrome 2B; Saldino-Noonan Syndrome. Identifiers: Orphanet 474, Orphanet 93269, Orphanet 93270, Orphanet 93271, MedGen C0036069, MONDO:0013127, OMIM 613091.

Allele frequency attached by ClinVar (database versions not stated): gnomAD exomes 0.00040 and 0.00091; ExAC 0.00149; ESP Exome Variant Server 0.00401; 1000 Genomes Project 0.00439; gnomAD 0.00442 and 0.00476; 1000 Genomes Project 30x 0.00515; TOPMed 0.00541.

Submissions (11):

Labcorp Genetics (formerly Invitae), Labcorp
Classification: Benign for Jeune thoracic dystrophy. Last evaluated: 2026-02-04. Review status: criteria provided, single submitter. Criteria: Invitae Variant Classification Sherloc (09022015). Collection method: clinical testing. Allele origin: germline.

Mayo Clinic Laboratories, Mayo Clinic
Classification: Likely benign. Last evaluated: 2025-04-18. Review status: criteria provided, single submitter. Criteria: ACMG Guidelines, 2015. Collection method: clinical testing. Allele origin: germline. Observed: 1 variant allele.
Comment: BS1, BP4, BP7

Blueprint Genetics
Classification: Likely benign. Last evaluated: 2024-11-25. Review status: criteria provided, single submitter. Criteria: ACMG Guidelines, 2015. Collection method: clinical testing. Allele origin: germline.

CeGaT Center for Human Genetics Tuebingen
Classification: Likely benign. Last evaluated: 2024-06-01. Review status: criteria provided, single submitter. Criteria: CeGaT Center For Human Genetics Tuebingen Variant Classification Criteria Version 2. Collection method: clinical testing. Allele origin: germline. Affected: yes. Observed: 1 variant allele.
Comment: DYNC2H1: BP4

Women's Health and Genetics/Laboratory Corporation of America, LabCorp
Classification: Benign. Last evaluated: 2023-02-15. Review status: criteria provided, single submitter. Criteria: LabCorp Variant Classification Summary - May 2015. Collection method: clinical testing. Allele origin: germline.
Comment: Variant summary: DYNC2H1 c.3097-4A>G alters a nucleotide located close to a canonical splice site and therefore could affect mRNA splicing, leading to a significantly altered protein sequence. 4/4 computational tools predict no significant impact on normal splicing. However, these predictions have yet to be confirmed by functional studies. The variant allele was found at a frequency of 0.00091 in 136706 control chromosomes, predominantly at a frequency of 0.014 within the African or African-American subpopulation in the gnomAD database, including one homozygote. The observed variant frequency within African or African-American control individuals in the gnomAD database is approximately 6 fold of the estimated maximal expected allele frequency for a pathogenic variant in DYNC2H1 causing Short-rib thoracic dysplasia phenotype (0.0025), strongly suggesting that the variant is a benign polymorphism found primarily in populations of African or African-American origin. To our knowledge, no occurrence of c.3097-4A>G in individuals affected with Short-rib thoracic dysplasia and no experimental evidence demonstrating its impact on protein function have been reported. Five ClinVar submitters (evaluation after 2014) cite this variant as benign (n=4) and pathogenic (n=1). Based on the evidence outlined above, the variant was classified as benign.

ARUP Laboratories, Molecular Genetics and Genomics, ARUP Laboratories
Classification: Benign for Asphyxiating thoracic dystrophy 3. Last evaluated: 2020-04-24. Review status: criteria provided, single submitter. Criteria: ARUP Molecular Germline Variant Investigation Process. Collection method: clinical testing. Allele origin: germline.

GeneDx
Classification: Benign. Last evaluated: 2017-03-29. Review status: criteria provided, single submitter. Criteria: GeneDx Variant Classification (06012015). Collection method: clinical testing. Allele origin: germline. Affected: yes.
Comment: This variant is considered likely benign or benign based on one or more of the following criteria: it is a conservative change, it occurs at a poorly conserved position in the protein, it is predicted to be benign by multiple in silico algorithms, and/or has population frequency not consistent with disease.

Eurofins Ntd Llc (ga)
Classification: Benign. Last evaluated: 2015-02-10. Review status: criteria provided, single submitter. Criteria: EGL Classification Definitions 2015. Collection method: clinical testing. Allele origin: germline. Observed: 1 variant allele, 1 heterozygote.

Breakthrough Genomics
Classification: Benign. Review status: criteria provided, single submitter. Criteria: ACMG Guidelines, 2015. Collection method: not provided. Allele origin: germline. Inheritance: Autosomal recessive inheritance. Affected: yes.

Dan Cohn Lab, University Of California Los Angeles
Classification: Pathogenic for Asphyxiating thoracic dystrophy. Last evaluated: 2017-06-01. Review status: no assertion criteria provided. Collection method: research. Allele origin: unknown. Affected: yes. Not counted in ClinVar's aggregate classification.

University of Washington Center for Mendelian Genomics, University of Washington
Classification: Likely pathogenic for asphyxiating thoracic dystrophy. Review status: no assertion criteria provided. Collection method: research. Allele origin: inherited. Affected: yes. Not counted in ClinVar's aggregate classification.

Literature cited by the submitters: PubMed 29068549 (cited by 3 submitters).